The following is an entry in ClinVar:

NM_001323289.2(CDKL5):c.1330_1342del (p.Arg444fs)

Gene: CDKL5 (cyclin dependent kinase like 5; plus strand). Cytogenetic location: Xp22.13.
Variant type: Deletion.
Coding change: c.1330_1342del on transcript NM_001323289.2 (MANE Select); coding-DNA positions 1330 to 1342, 13 bases deleted (CGCCACTCATTCA).
Protein change: p.Arg444fs; shifts the reading frame from arginine 444.
Molecular consequence: frameshift variant.
Genome position (GRCh38, 1-based): chrX:18,604,254-18,604,266, CGCCACTCATTCA deleted. VCF-style (leftmost placement, unchanged base first): chrX-18604253-CCGCCACTCATTCA-C. GRCh37 (hg19) VCF-style: chrX-18622373-CCGCCACTCATTCA-C.
Other names: c.1330_1342del, p.Arg444fs (NM_001037343.2, NM_003159.3); short protein forms R444fs.
Identifiers: ClinVar variation 2953180 (VCV002953180.3), dbSNP rs2518874193, ClinGen allele CA2740092029.

ClinVar aggregate classification (germline): Pathogenic (1 of 4 stars; one submission).

Conditions:
Developmental and epileptic encephalopathy, 2 (DEE2). Also called: INFANTILE SPASM SYNDROME, X-LINKED 2; CDKL5 deficiency disorder. Identifiers: Orphanet 1934, Orphanet 3451, Orphanet 505652, MedGen C4750718, MONDO:0010396, OMIM 300672.
Angelman syndrome-like. Identifiers: MedGen CN128785.

Submission:

Labcorp Genetics (formerly Invitae), Labcorp
Classification: Pathogenic for Developmental and epileptic encephalopathy, 2; Angelman syndrome-like. Last evaluated: 2023-10-22. Review status: criteria provided, single submitter. Criteria: Invitae Variant Classification Sherloc (09022015). Collection method: clinical testing. Allele origin: germline.
Comment: This sequence change creates a premature translational stop signal (p.Arg444Trpfs*45) in the CDKL5 gene. It is expected to result in an absent or disrupted protein product. Loss-of-function variants in CDKL5 are known to be pathogenic (PMID: 22872100). This variant is not present in population databases (gnomAD no frequency). This variant has not been reported in the literature in individuals affected with CDKL5-related conditions. For these reasons, this variant has been classified as Pathogenic.

Literature cited by the submitters: PubMed 22872100.